The following is an entry in ClinVar:

ClinVar aggregate classification (germline): Likely pathogenic (1 of 4 stars; one submission).

Conditions:
Salla disease (SD). Also called: Less Severe FSASD (Salla Disease); Sialuria, Finnish type; N-acetylneuraminic acid (NANA) storage disease (NSD); Infantile sialic acid storage disorder (ISSD). Identifiers: Orphanet 309334, Orphanet 834, MedGen C1096903, MONDO:0011449, OMIM 604369.

Submission:

Women's Health and Genetics/Laboratory Corporation of America, LabCorp
Classification: Likely pathogenic for Salla disease. Last evaluated: 2023-01-06. Review status: criteria provided, single submitter. Criteria: LabCorp Variant Classification Summary - May 2015. Collection method: clinical testing. Allele origin: germline.
Comment: Variant summary: The variant identified by MLPA or other technology involves the deletion of exons 10-11 in the SLC17A5 gene. A presumed nomenclature of c.(1259+1_1260-1)_(*1699_?)del has been designated for the purposes of this classification. Although exact breakpoints of this deletion are not known, it is expected to result in a frameshift change in the SLC17A5 gene, a known mechanism of disease. The variant was absent in 21454 control chromosomes (gnomAD SVs). c.(1259+1_1260-1)_(*1699_?)del has been reported in the literature in at least one homozygous individual affected with Sialic Acid Storage Disorder (Froissart_2005). These data indicate that the variant may be associated with disease. To our knowledge, no experimental evidence demonstrating an impact on protein function has been reported. One ClinVar submitter (evaluation after 2014) cites this variant as pathogenic. Based on the evidence outlined above, the variant was classified as likely pathogenic.

Literature cited by the submitters: PubMed 15805149.

NC_000006.11:g.(?_74303101)_(74310165_74320122)del

Gene: SLC17A5 (solute carrier family 17 member 5; minus strand). Cytogenetic location: 6q13.
Variant type: Deletion.
Identifiers: ClinVar variation 2429236 (VCV002429236.3).